The following is an entry in ClinVar:

NM_000256.3(MYBPC3):c.1838dup (p.Asp613fs)

Gene: MYBPC3 (myosin binding protein C3; minus strand). Cytogenetic location: 11p11.2.
Variant type: Duplication.
Coding change: c.1838dup on transcript NM_000256.3 (MANE Select); coding-DNA position 1838, one base duplicated (A; older notation c.1838dupA).
Protein change: p.Asp613fs; shifts the reading frame from aspartic acid 613.
Molecular consequence: frameshift variant.
Genome position (GRCh38, 1-based): chr11:47,341,197, T duplicated on the plus strand (A on the coding strand, the reverse complement: MYBPC3 is on the minus strand). VCF-style (leftmost placement, unchanged base first): chr11-47341196-G-GT. GRCh37 (hg19) VCF-style: chr11-47362747-G-GT.
Other names: c.1838dup, p.Asp613fs (LRG_386t1); c.1838dupA (NM_000256.3); short protein forms D613fs.
Identifiers: ClinVar variation 181076 (VCV000181076.27), dbSNP rs730880649, ClinGen allele CA277833.
Genomic context (GRCh38, chr11:47,341,196, plus strand): 5'-ACCCATGAAGTGGAGCTTGGCTGACAGGTTGCAGGCGAAGCCCTCGGGCACAAAGCTGTA[G>GT]TCAGCCTCGTCGGCAGGTGTGACGTCGTCAATGGTCAGTTTGTGGACCCTGCAGGGGAGC-3'

ClinVar aggregate classification (germline): Pathogenic/Likely pathogenic. Review status: criteria provided, multiple submitters, no conflicts (2 of 4 stars). 4 submissions from 4 submitters: Pathogenic (3); Likely pathogenic (1). Last evaluated 2023-11-01.

Conditions:
Hypertrophic cardiomyopathy 1 (CMH1). Also called: Familial hypertrophic cardiomyopathy 1; MYH7-Related Familial Hypertrophic Cardiomyopathy. Identifiers: MedGen C3495498, MONDO:0008647, OMIM 192600.

Allele frequency attached by ClinVar (database versions not stated): gnomAD exomes below 0.00001.

Submissions (4):

CeGaT Center for Human Genetics Tuebingen
Classification: Pathogenic. Last evaluated: 2023-11-01. Review status: criteria provided, single submitter. Criteria: CeGaT Center For Human Genetics Tuebingen Variant Classification Criteria Version 2. Collection method: clinical testing. Allele origin: germline. Affected: yes. Observed: 2 variant alleles.
Comment: MYBPC3: PVS1, PM2, PS4:Supporting

Agnes Ginges Centre for Molecular Cardiology, Centenary Institute
Classification: Pathogenic for Hypertrophic cardiomyopathy 1. Last evaluated: 2015-06-18. Review status: criteria provided, single submitter. Criteria: Agnes Ginges Centre for Molecular Cardiology criteria (2015). Collection method: research. Allele origin: germline. Inheritance: Autosomal dominant inheritance. Affected: yes.
Comment: The MYBPC3 Asp613Glufs*25 variant is a result of a duplication of nucleotide A at codon 1838. The new reading frame ends in a stop codon 24 positions downstream. The variant is absent in the Exome Aggregation Consortium dataset and the 1000 genomes project as well as the literature. Based on rarity in the population and that known loss-of-function mutations in the MYBPC3 gene are an established mechanism of disease in HCM, we classify this variant as pathogenic.

Stanford Center for Inherited Cardiovascular Disease, Stanford University
Classification: Likely pathogenic. Last evaluated: 2012-09-07. Review status: criteria provided, single submitter. Criteria: ACMG Guidelines, 2015. Collection method: provider interpretation. Allele origin: germline.

GeneDx
Classification: Pathogenic. Last evaluated: 2012-05-08. Review status: criteria provided, single submitter. Criteria: GeneDx Variant Classification (06012015). Collection method: clinical testing. Allele origin: germline. Affected: yes.
Comment: The c.1838dupA variant in the MYBPC3 gene has not been reported previously in association with HCM or as a benign polymorphism to our knowledge. The c.1838dupA variant causes a shift in reading frame beginning with Aspartic acid codon 613, changing it to a Glutamic acid, and creates a premature stop codon at position 25 of the new reading frame. This variant is expected to result in an abnormal, truncated protein or in absence of protein from this allele due to mRNA decay. Other frameshift variants in the MYBPC3 gene have been reported in association with HCM. In summary, c.1838dupA in the MYBPC3 gene is interpreted as a pathogenic variant.